The following is an entry in ClinVar:

ClinVar aggregate classification (germline): Uncertain significance. Review status: criteria provided, multiple submitters, no conflicts (2 of 4 stars). 3 submissions from 3 submitters: Uncertain significance (3). Last evaluated 2025-08-31.

Conditions:
Cardiovascular phenotype. Identifiers: MedGen CN230736.
Hereditary cancer-predisposing syndrome. Also called: Hereditary Cancer Syndrome; Hereditary neoplastic syndrome; Neoplastic Syndromes, Hereditary; Tumor predisposition. Identifiers: Orphanet 140162, MedGen C0027672, MeSH D009386, MONDO:0015356.
LZTR1-related disorder. Also called: LZTR1-related disorders; LZTR1-related condition.

Allele frequency attached by ClinVar (database versions not stated): gnomAD 0.00001; TOPMed 0.00001.
gnomAD v4.1: 2 of 1,612,714 alleles (0.00012%); highest among the groups gnomAD compares: Admixed American, 0.0033%; no homozygotes.

Submissions (3):

Labcorp Genetics (formerly Invitae), Labcorp
Classification: Uncertain significance. Last evaluated: 2025-08-31. Review status: criteria provided, single submitter. Criteria: Invitae Variant Classification Sherloc (09022015). Collection method: clinical testing. Allele origin: germline.
Comment: This sequence change replaces valine, which is neutral and non-polar, with aspartic acid, which is acidic and polar, at codon 463 of the LZTR1 protein (p.Val463Asp). This variant is not present in population databases (gnomAD no frequency). This variant has not been reported in the literature in individuals affected with LZTR1-related conditions. ClinVar contains an entry for this variant (Variation ID: 1771461). Invitae Evidence Modeling of protein sequence and biophysical properties (such as structural, functional, and spatial information, amino acid conservation, physicochemical variation, residue mobility, and thermodynamic stability) indicates that this missense variant is not expected to disrupt LZTR1 protein function with a negative predictive value of 80%. In summary, the available evidence is currently insufficient to determine the role of this variant in disease. Therefore, it has been classified as a Variant of Uncertain Significance.

Ambry Genetics
Classification: Uncertain significance for Cardiovascular phenotype; Hereditary cancer-predisposing syndrome. Last evaluated: 2023-08-25. Review status: criteria provided, single submitter. Criteria: Ambry Variant Classification Scheme 2023. Collection method: clinical testing. Allele origin: germline.
Comment: The p.V463D variant (also known as c.1388T>A), located in coding exon 13 of the LZTR1 gene, results from a T to A substitution at nucleotide position 1388. The valine at codon 463 is replaced by aspartic acid, an amino acid with highly dissimilar properties. This amino acid position is highly conserved in available vertebrate species. In addition, this alteration is predicted to be deleterious by in silico analysis. Since supporting evidence is limited at this time, the clinical significance of this alteration remains unclear.

PreventionGenetics, part of Exact Sciences
Classification: Uncertain significance for LZTR1-related condition. Last evaluated: 2023-05-22. Review status: criteria provided, single submitter. Criteria: ACMG Guidelines, 2015. Collection method: clinical testing. Allele origin: germline.
Comment: The LZTR1 c.1388T>A variant is predicted to result in the amino acid substitution p.Val463Asp. To our knowledge, this variant has not been reported in the literature or in a large population database, indicating this variant is rare. At this time, the clinical significance of this variant is uncertain due to the absence of conclusive functional and genetic evidence.

NM_006767.4(LZTR1):c.1388T>A (p.Val463Asp)

Gene: LZTR1 (leucine zipper like post translational regulator 1; plus strand). Cytogenetic location: 22q11.21.
Variant type: single nucleotide variant.
Coding change: c.1388T>A on transcript NM_006767.4 (MANE Select); coding-DNA position 1388, T replaced by A.
Protein change: p.Val463Asp; replaces valine 463 with aspartic acid.
Molecular consequence: missense variant.
Genome position (GRCh38, 1-based): chr22:20,993,958, T>A. VCF-style: chr22-20993958-T-A. GRCh37 (hg19) VCF-style: chr22-21348247-T-A.
Other names: short protein forms V463D.
Identifiers: ClinVar variation 1771461 (VCV001771461.6), dbSNP rs1193106828, ClinGen allele CA410775123.
Genomic context (GRCh38, chr22:20,993,958, plus strand): 5'-CTGCCAGTGCATCATTCTTTGTGCAGAAGGAGGAGTGCGTGCAGGGCCACGTAGCCATTG[T>A]CACAGCGCGGAGCCGCTGGCTTCGCAGGAAGATCACGCAGGCGCGGGAGAGGCTGGCCCA-3'
Protein context (NP_006758.2, residues 453-473): EECVQGHVAI[Val463Asp]TARSRWLRRK